The following is an entry in ClinVar:

NM_005236.3(ERCC4):c.2514T>C (p.Leu838=)

Gene: ERCC4 (ERCC excision repair 4, endonuclease catalytic subunit; plus strand). Cytogenetic location: 16p13.12.
Variant type: single nucleotide variant.
Coding change: c.2514T>C on transcript NM_005236.3 (MANE Select); coding-DNA position 2514, T replaced by C.
Protein change: p.Leu838=; no amino-acid change (leucine 838 retained).
Molecular consequence: synonymous variant.
Genome position (GRCh38, 1-based): chr16:13,948,110, T>C. VCF-style: chr16-13948110-T-C. GRCh37 (hg19) VCF-style: chr16-14041967-T-C.
Identifiers: ClinVar variation 884980 (VCV000884980.10), dbSNP rs200069811, ClinGen allele CA7910758.

ClinVar aggregate classification (germline): Conflicting classifications of pathogenicity. Review status: criteria provided, conflicting classifications (1 of 4 stars). 3 submissions from 3 submitters: Uncertain significance (1); Likely benign (1). 1 of the submissions does not count toward it. Last evaluated 2026-02-01.

Conditions:
Xeroderma pigmentosum, group F (XPF). Also called: XERODERMA PIGMENTOSUM, TYPE F; Xeroderma pigmentosum, type 6; XERODERMA PIGMENTOSUM, COMPLEMENTATION GROUP F; XERODERMA PIGMENTOSUM VI; XP, GROUP F; ERCC4-Related Xeroderma Pigmentosum. Identifiers: MedGen C0268140, MONDO:0010215, OMIM 278760.
Fanconi anemia complementation group Q. Identifiers: Orphanet 84, MedGen C3808988, MONDO:0014108, OMIM 615272.
Cockayne syndrome. Identifiers: Orphanet 191, MedGen C0009207, MONDO:0016006.
ERCC4-related disorder. Also called: ERCC4-related condition.

Allele frequency attached by ClinVar (database versions not stated): gnomAD exomes 0.00001 and 0.00002; ExAC 0.00002; gnomAD 0.00002.
gnomAD v4.1: 19 of 1,613,956 alleles (0.0012%); highest among the groups gnomAD compares: Admixed American, 0.0017%; no homozygotes.

Submissions (3):

Labcorp Genetics (formerly Invitae), Labcorp
Classification: Likely benign for Fanconi anemia complementation group Q; Xeroderma pigmentosum, group F; Cockayne syndrome. Last evaluated: 2026-02-01. Review status: criteria provided, single submitter. Criteria: Invitae Variant Classification Sherloc (09022015). Collection method: clinical testing. Allele origin: germline.

Illumina Laboratory Services, Illumina
Classification: Uncertain significance for Xeroderma pigmentosum, group F. Last evaluated: 2018-01-13. Review status: criteria provided, single submitter. Criteria: ICSL Variant Classification Criteria 13 December 2019. Collection method: clinical testing. Allele origin: germline.

PreventionGenetics, part of Exact Sciences
Classification: Likely benign for ERCC4-related condition. Last evaluated: 2020-08-31. Review status: no assertion criteria provided. Collection method: clinical testing. Allele origin: germline. Not counted in ClinVar's aggregate classification.
Comment: This variant is classified as likely benign based on ACMG/AMP sequence variant interpretation guidelines (Richards et al. 2015 PMID: 25741868, with internal and published modifications).